The following is an entry in ClinVar:

NM_006231.4(POLE):c.5496T>C (p.Leu1832=)

Gene: POLE (DNA polymerase epsilon, catalytic subunit; minus strand). Cytogenetic location: 12q24.33.
Variant type: single nucleotide variant.
Coding change: c.5496T>C on transcript NM_006231.4 (MANE Select); coding-DNA position 5496, T replaced by C.
Protein change: p.Leu1832=; no amino-acid change (leucine 1832 retained).
Molecular consequence: synonymous variant.
Genome position (GRCh38, 1-based): chr12:132,639,181, A>G on the plus strand (T>C on the coding strand, the complement: POLE is on the minus strand). VCF-style: chr12-132639181-A-G. GRCh37 (hg19) VCF-style: chr12-133215767-A-G.
Identifiers: ClinVar variation 240560 (VCV000240560.73), dbSNP rs147543146, ClinGen allele CA6892508.

ClinVar aggregate classification (germline): Benign/Likely benign. Review status: criteria provided, multiple submitters, no conflicts (2 of 4 stars). 14 submissions from 14 submitters: Benign (6); Likely benign (6). 2 of the submissions do not count toward it. Last evaluated 2026-02-03.

Conditions:
Hereditary cancer-predisposing syndrome. Also called: Tumor predisposition; Hereditary Cancer Syndrome; Neoplastic Syndromes, Hereditary; Hereditary neoplastic syndrome. Identifiers: Orphanet 140162, MedGen C0027672, MeSH D009386, MONDO:0015356.
Colorectal cancer, susceptibility to, 12 (CRCS12). Also called: COLORECTAL CANCER, SUSCEPTIBILITY TO, ON CHROMOSOME 12q24. Identifiers: Orphanet 220460, MedGen C3554460, MONDO:0014038, OMIM 615083.
Carcinoma of colon (CRC). Also called: Colonic carcinoma; Colon carcinoma. Identifiers: MedGen C0699790, MONDO:0002032.

Allele frequency attached by ClinVar (database versions not stated): ESP Exome Variant Server 0.00023; TOPMed 0.00028; gnomAD 0.00029 and 0.00037; gnomAD exomes 0.00044 and 0.00068; 1000 Genomes Project 0.00060; 1000 Genomes Project 30x 0.00062; ExAC 0.00070.
gnomAD v4.1: 709 of 1,614,112 alleles (0.044%); highest among the groups gnomAD compares: East Asian, 0.43%; 2 homozygotes.

Submissions (14):

Labcorp Genetics (formerly Invitae), Labcorp
Classification: Benign. Last evaluated: 2026-02-03. Review status: criteria provided, single submitter. Criteria: Invitae Variant Classification Sherloc (09022015). Collection method: clinical testing. Allele origin: germline.

Center for Genomic Medicine, Rigshospitalet, Copenhagen University Hospital
Classification: Likely benign. Last evaluated: 2025-03-04. Review status: criteria provided, single submitter. Criteria: ACMG Guidelines, 2015. Collection method: clinical testing. Allele origin: germline.

CeGaT Center for Human Genetics Tuebingen
Classification: Likely benign. Last evaluated: 2025-02-01. Review status: criteria provided, single submitter. Criteria: CeGaT Center For Human Genetics Tuebingen Variant Classification Criteria Version 2. Collection method: clinical testing. Allele origin: germline. Affected: yes. Observed: 7 variant alleles.
Comment: POLE: BP4, BP7

KCCC/NGS Laboratory, Kuwait Cancer Control Center
Classification: Benign for Colorectal cancer, susceptibility to, 12. Last evaluated: 2025-02-01. Review status: criteria provided, single submitter. Criteria: ACMG Guidelines, 2015. Collection method: clinical testing. Allele origin: germline. Affected: no.

Blueprint Genetics
Classification: Likely benign. Last evaluated: 2024-09-13. Review status: criteria provided, single submitter. Criteria: ACMG Guidelines, 2015. Collection method: clinical testing. Allele origin: germline.

Women's Health and Genetics/Laboratory Corporation of America, LabCorp
Classification: Benign. Last evaluated: 2023-03-17. Review status: criteria provided, single submitter. Criteria: LabCorp Variant Classification Summary - May 2015. Collection method: clinical testing. Allele origin: germline.

Genetic Services Laboratory, University of Chicago
Classification: Likely benign. Last evaluated: 2021-06-21. Review status: criteria provided, single submitter. Criteria: ACMG Guidelines, 2015. Collection method: clinical testing. Allele origin: germline. Affected: no.

GeneDx
Classification: Likely benign. Last evaluated: 2021-01-11. Review status: criteria provided, single submitter. Criteria: GeneDx Variant Classification Process June 2021. Collection method: clinical testing. Allele origin: germline. Affected: yes.

Sema4
Classification: Benign for Hereditary cancer-predisposing syndrome. Last evaluated: 2020-10-23. Review status: criteria provided, single submitter. Criteria: Sema4 Curation Guidelines. Collection method: curation. Allele origin: germline.

Quest Diagnostics Nichols Institute San Juan Capistrano
Classification: Benign. Last evaluated: 2018-07-16. Review status: criteria provided, single submitter. Criteria: Quest Diagnostics criteria. Collection method: clinical testing. Allele origin: unknown.

PreventionGenetics, part of Exact Sciences
Classification: Benign. Last evaluated: 2017-08-10. Review status: criteria provided, single submitter. Criteria: ACMG Guidelines, 2015. Collection method: clinical testing. Allele origin: germline.

Ambry Genetics
Classification: Likely benign for Hereditary cancer-predisposing syndrome. Last evaluated: 2015-06-28. Review status: criteria provided, single submitter. Criteria: Ambry Variant Classification Scheme 2023. Collection method: clinical testing. Allele origin: germline.

True Health Diagnostics
Classification: Likely benign for Hereditary cancer-predisposing syndrome. Last evaluated: 2018-10-04. Review status: no assertion criteria provided. Collection method: clinical testing. Allele origin: germline. Not counted in ClinVar's aggregate classification.

Department of Pathology and Laboratory Medicine, Sinai Health System
Classification: Likely benign for Carcinoma of colon. Review status: no assertion criteria provided. Collection method: clinical testing. Allele origin: unknown. Affected: yes. Observed: 1 variant allele. Study: The Canadian Open Genetics Repository (COGR). Not counted in ClinVar's aggregate classification.
Comment: The POLE p.Leu1832= variant was not identified in the literature nor was it identified in the Cosmic database. The variant was identified in dbSNP (ID: rs147543146) as "With Likely benign allele", and in ClinVar (classified as benign by Invitae; as likely benign by GeneDx, Ambry Genetics, and one other clinical laboratory). The variant was identified in control databases in 167 of 277186 chromosomes (1 homozygous) at a frequency of 0.0006 increasing the likelihood this could be a low frequency benign variant (Genome Aggregation Database Feb 27, 2017). The variant was observed in the following populations: Other in 2 of 6466 chromosomes (freq: 0.0003), European in 43 of 126684 chromosomes (freq: 0.0003), Ashkenazi Jewish in 40 of 10152 chromosomes (1 homozygous, freq: 0.0039), East Asian in 27 of 18870 chromosomes (freq: 0.0014), Finnish in 25 of 25790 chromosomes (freq: 0.001), and South Asian in 30 of 30782 chromosomes (freq: 0.00097), while the variant was not observed in the African or Latino populations. The p.Leu1832= variant is not expected to have clinical significance because it does not result in a change of amino acid and is not located in a known consensus splice site. In addition, in silico or computational prediction software programs (SpliceSiteFinder, MaxEntScan, NNSPLICE, GeneSplicer, HumanSpliceFinder) do not predict a difference in splicing. In summary, based on the above information the clinical significance of this variant cannot be determined with certainty at this time although we would lean towards a more benign role for this variant. This variant is classified as likely benign.